The following is an entry in ClinVar:

NM_000138.5(FBN1):c.3464-3C>T

Gene: FBN1 (fibrillin 1; minus strand). Cytogenetic location: 15q21.1.
Variant type: single nucleotide variant.
Coding change: c.3464-3C>T on transcript NM_000138.5 (MANE Select); 3 bases into the intron before coding-DNA position 3464, C replaced by T.
Molecular consequence: intron variant.
Genome position (GRCh38, 1-based): chr15:48,487,203, G>A on the plus strand (C>T on the coding strand, the complement: FBN1 is on the minus strand). VCF-style: chr15-48487203-G-A. GRCh37 (hg19) VCF-style: chr15-48779400-G-A.
Identifiers: ClinVar variation 928671 (VCV000928671.7), dbSNP rs770992241, ClinGen allele CA050806.

ClinVar aggregate classification (germline): Conflicting classifications of pathogenicity. Review status: criteria provided, conflicting classifications (1 of 4 stars). 4 submissions from 4 submitters: Uncertain significance (2); Likely benign (2). Last evaluated 2023-07-22.

Conditions:
Familial thoracic aortic aneurysm and aortic dissection (TAAD). Also called: Thoracic aortic aneurysms and dissections. Identifiers: Orphanet 91387, MedGen C4707243, MONDO:0019625.
Marfan syndrome (MFS). Also called: Marfan syndrome, classic; Marfan syndrome type 1; Marfan's syndrome; FBN1-Related Marfan Syndrome; MARFAN SYNDROME, TYPE I. Identifiers: Orphanet 284963, Orphanet 558, MedGen C0024796, MONDO:0007947, OMIM 154700.

Allele frequency attached by ClinVar (database versions not stated): ExAC 0.00002; gnomAD exomes 0.00001.
gnomAD v4.1: 13 of 1,614,140 alleles (0.00081%); highest among the groups gnomAD compares: East Asian, 0.027%; no homozygotes.

Submissions (4):

All of Us Research Program, National Institutes of Health
Classification: Likely benign for Marfan syndrome. Last evaluated: 2023-07-22. Review status: criteria provided, single submitter. Criteria: ACMG Guidelines, 2015. Collection method: clinical testing. Allele origin: germline. Inheritance: Autosomal dominant inheritance. Observed: 2 variant alleles, 2 heterozygotes.
Comment: This study involves interpretation of variants in research participants for the purpose of population health screening. Participant phenotype was not available at the time of variant classification. Additional details can be found in publication PMID: 35346344, PMCID: PMC8962531

Color Diagnostics, LLC DBA Color Health
Classification: Likely benign for Familial thoracic aortic aneurysm and aortic dissection. Last evaluated: 2023-02-08. Review status: criteria provided, single submitter. Criteria: ACMG Guidelines, 2015. Collection method: clinical testing. Allele origin: germline.

Labcorp Genetics (formerly Invitae), Labcorp
Classification: Uncertain significance for Marfan syndrome; Familial thoracic aortic aneurysm and aortic dissection. Last evaluated: 2022-07-02. Review status: criteria provided, single submitter. Criteria: Invitae Variant Classification Sherloc (09022015). Collection method: clinical testing. Allele origin: germline.
Comment: This variant has not been reported in the literature in individuals affected with FBN1-related conditions. In summary, the available evidence is currently insufficient to determine the role of this variant in disease. Therefore, it has been classified as a Variant of Uncertain Significance. Variants that disrupt the consensus splice site are a relatively common cause of aberrant splicing (PMID: 17576681, 9536098). Algorithms developed to predict the effect of sequence changes on RNA splicing suggest that this variant is not likely to affect RNA splicing. ClinVar contains an entry for this variant (Variation ID: 928671). This variant is present in population databases (rs770992241, gnomAD 0.02%). This sequence change falls in intron 28 of the FBN1 gene. It does not directly change the encoded amino acid sequence of the FBN1 protein. It affects a nucleotide within the consensus splice site.

Women's Health and Genetics/Laboratory Corporation of America, LabCorp
Classification: Uncertain significance. Last evaluated: 2019-07-29. Review status: criteria provided, single submitter. Criteria: LabCorp Variant Classification Summary - May 2015. Collection method: clinical testing. Allele origin: germline.
Comment: Variant summary: FBN1 c.3464-3C>T alters a non-conserved nucleotide located close to a canonical splice site and therefore could affect mRNA splicing, leading to a significantly altered protein sequence. 4/4 computational tools predict no significant impact on normal splicing. However, these predictions have yet to be confirmed by functional studies. The variant allele was found at a frequency of 1.2e-05 in 251412 control chromosomes. The available data on variant occurrences in the general population are insufficient to allow any conclusion about variant significance. To our knowledge, no occurrence of c.3464-3C>T in individuals affected with Aortopathy and no experimental evidence demonstrating its impact on protein function have been reported. No clinical diagnostic laboratories have submitted clinical-significance assessments for this variant to ClinVar after 2014. Based on the evidence outlined above, the variant was classified as uncertain significance.

Literature cited by the submitters: PubMed 17576681 (cited by Labcorp Genetics (formerly Invitae), Labcorp); PubMed 9536098 (cited by Labcorp Genetics (formerly Invitae), Labcorp).